The following is an entry in ClinVar:

NC_000001.10:g.(?_24175119)_(24175349_?)del

Gene: FUCA1 (alpha-L-fucosidase 1; minus strand). Cytogenetic location: 1p36.11.
Variant type: Deletion.
Identifiers: ClinVar variation 3247629 (VCV003247629.1).

ClinVar aggregate classification (germline): Pathogenic (1 of 4 stars; one submission).

Conditions:
Fucosidosis. Also called: ALPHA-L-FUCOSIDASE DEFICIENCY. Identifiers: Orphanet 349, MedGen C0016788, MONDO:0009254, OMIM 230000.

Submission:

Labcorp Genetics (formerly Invitae), Labcorp
Classification: Pathogenic for Fucosidosis. Last evaluated: 2023-01-19. Review status: criteria provided, single submitter. Criteria: Invitae Variant Classification Sherloc (09022015). Collection method: clinical testing. Allele origin: unknown.
Comment: For these reasons, this variant has been classified as Pathogenic. This variant has not been reported in the literature in individuals affected with FUCA1-related conditions. This variant is a gross deletion of the genomic region encompassing exon(s) 6 of the FUCA1 gene. This deletion is out-of-frame, and is expected to create a premature termination codon and result in an absent or disrupted protein product. Loss-of-function variants in FUCA1 are known to be pathogenic (PMID: 10094192).

Literature cited by the submitters: PubMed 10094192.